The following is an entry in ClinVar:

NM_000395.3(CSF2RB):c.2231T>A (p.Leu744Ter)

Gene: CSF2RB (colony stimulating factor 2 receptor subunit beta; plus strand). Cytogenetic location: 22q12.3.
Variant type: single nucleotide variant.
Coding change: c.2231T>A on transcript NM_000395.3 (MANE Select); coding-DNA position 2231, T replaced by A.
Protein change: p.Leu744Ter; replaces leucine 744 with a stop codon.
Molecular consequence: nonsense.
Genome position (GRCh38, 1-based): chr22:36,938,039, T>A. VCF-style: chr22-36938039-T-A. GRCh37 (hg19) VCF-style: chr22-37334081-T-A.
Other names: c.2249T>A, p.Leu750Ter (NM_001410827.1); short protein forms L750*, L744*.
Identifiers: ClinVar variation 2834572 (VCV002834572.3), dbSNP rs148643829, ClinGen allele CA411411086.

ClinVar aggregate classification (germline): Uncertain significance (1 of 4 stars; one submission).

gnomAD v4.1: 1 of 1,613,862 alleles (0.000062%); highest among the groups gnomAD compares: Non-Finnish European, 0.000085%; no homozygotes.

Submission:

Labcorp Genetics (formerly Invitae), Labcorp
Classification: Uncertain significance. Last evaluated: 2023-02-04. Review status: criteria provided, single submitter. Criteria: Invitae Variant Classification Sherloc (09022015). Collection method: clinical testing. Allele origin: germline.
Comment: In summary, the available evidence is currently insufficient to determine the role of this variant in disease. Therefore, it has been classified as a Variant of Uncertain Significance. Experimental studies and prediction algorithms are not available or were not evaluated, and the functional significance of this variant is currently unknown. This variant has not been reported in the literature in individuals affected with CSF2RB-related conditions. This variant is not present in population databases (gnomAD no frequency). This sequence change creates a premature translational stop signal (p.Leu744*) in the CSF2RB gene. While this is not anticipated to result in nonsense mediated decay, it is expected to disrupt the last 154 amino acid(s) of the CSF2RB protein.